The following is an entry in ClinVar:

NM_000204.5(CFI):c.1524G>T (p.Met508Ile)

Gene: CFI (complement factor I; minus strand). Cytogenetic location: 4q25.
Variant type: single nucleotide variant.
Coding change: c.1524G>T on transcript NM_000204.5 (MANE Select); coding-DNA position 1524, G replaced by T.
Protein change: p.Met508Ile; replaces methionine 508 with isoleucine.
Molecular consequence: missense variant. On other transcripts: non-coding transcript variant (3).
Genome position (GRCh38, 1-based): chr4:109,742,501, C>A on the plus strand (G>T on the coding strand, the complement: CFI is on the minus strand). VCF-style: chr4-109742501-C-A. GRCh37 (hg19) VCF-style: chr4-110663657-C-A.
Other names: c.1548G>T, p.Met516Ile (NM_001318057.2, NM_001375278.1); c.1503G>T, p.Met501Ile (NM_001331035.2, NM_001375280.1, NM_001375282.1); c.1524G>T, p.Met508Ile (NM_001375279.1, NM_001375281.1); c.1467G>T, p.Met489Ile (NM_001375283.1); c.915G>T, p.Met305Ile (NM_001375284.1); c.1524G>T (NM_000204.3); short protein forms M305I, M489I, M501I, M508I, M516I.
Identifiers: ClinVar variation 1162964 (VCV001162964.11), dbSNP rs968428003, ClinGen allele CA103687725.
Genomic context (GRCh38, chr4:109,742,501, plus strand): 5'-AGGGGAAATACATACATCTTGACATCTTGGATAAACCACTTGGCACTTACCTGCACATTC[C>A]ATTTCTTTTTCATAGAAACGATTTCCGTAAAACTTAGAGCAGTTGCTTATTAGTTTAACT-3'
Protein context (NP_000195.3, residues 498-518): FYGNRFYEKE[Met508Ile]ECAGTYDGSI

ClinVar aggregate classification (germline): Uncertain significance. Review status: criteria provided, multiple submitters, no conflicts (2 of 4 stars). 3 submissions from 3 submitters: Uncertain significance (3). Last evaluated 2025-11-05.

Conditions:
Inborn genetic diseases. Identifiers: MedGen C0950123, MeSH D030342.

Allele frequency attached by ClinVar (database versions not stated): gnomAD exomes below 0.00001; gnomAD 0.00003 and 0.00004; TOPMed 0.00005.
gnomAD v4.1: 7 of 1,608,770 alleles (0.00044%); highest among the groups gnomAD compares: Admixed American, 0.0083%; no homozygotes.

Submissions (3):

Labcorp Genetics (formerly Invitae), Labcorp
Classification: Uncertain significance. Last evaluated: 2025-11-05. Review status: criteria provided, single submitter. Criteria: Invitae Variant Classification Sherloc (09022015). Collection method: clinical testing. Allele origin: germline.
Comment: This sequence change replaces methionine, which is neutral and non-polar, with isoleucine, which is neutral and non-polar, at codon 508 of the CFI protein (p.Met508Ile). The frequency data for this variant in the population databases is considered unreliable, as metrics indicate poor data quality at this position in the gnomAD database. This variant has not been reported in the literature in individuals affected with CFI-related conditions. ClinVar contains an entry for this variant (Variation ID: 1162964). Invitae Evidence Modeling of protein sequence and biophysical properties (such as structural, functional, and spatial information, amino acid conservation, physicochemical variation, residue mobility, and thermodynamic stability) indicates that this missense variant is expected to disrupt CFI protein function with a positive predictive value of 80%. In summary, the available evidence is currently insufficient to determine the role of this variant in disease. Therefore, it has been classified as a Variant of Uncertain Significance.

Ambry Genetics
Classification: Uncertain significance for Inborn genetic diseases. Last evaluated: 2023-12-15. Review status: criteria provided, single submitter. Criteria: Ambry Variant Classification Scheme 2023. Collection method: clinical testing. Allele origin: germline.

Mayo Clinic Laboratories, Mayo Clinic
Classification: Uncertain significance. Last evaluated: 2020-04-14. Review status: criteria provided, single submitter. Criteria: ACMG Guidelines, 2015. Collection method: clinical testing. Allele origin: germline. Observed: 1 variant allele.